The following is an entry in ClinVar:

ClinVar aggregate classification (germline): Likely pathogenic (1 of 4 stars; one submission).

Submission:

GeneDx
Classification: Likely pathogenic. Last evaluated: 2017-07-03. Review status: criteria provided, single submitter. Criteria: GeneDx Variant Classification (06012015). Collection method: clinical testing. Allele origin: germline. Affected: yes.
Comment: The c.731+5G>A likely pathogenic variant in the SH3TC2 gene has not been reported previously as a pathogenic variant nor as a benign variant, to our knowledge. This variant is predicted to destroy the natural splice donor site in intron 6, and is expected to cause abnormal gene splicing. In addition, the c.731+5G>A variant was not observed in approximately 6,500 individuals of European and African American ancestry in the NHLBI Exome Sequencing Project, indicating it is not a common benign variant in these populations. Therefore, we interpret c.731+5G>A as a likely pathogenic variant.

NM_024577.4(SH3TC2):c.731+5G>A

Gene: SH3TC2 (SH3 domain and tetratricopeptide repeats 2; minus strand). Cytogenetic location: 5q32.
Variant type: single nucleotide variant.
Coding change: c.731+5G>A on transcript NM_024577.4 (MANE Select); 5 bases into the intron after coding-DNA position 731, G replaced by A.
Molecular consequence: intron variant.
Genome position (GRCh38, 1-based): chr5:149,041,411, C>T on the plus strand (G>A on the coding strand, the complement: SH3TC2 is on the minus strand). VCF-style: chr5-149041411-C-T. GRCh37 (hg19) VCF-style: chr5-148420974-C-T.
Identifiers: ClinVar variation 246577 (VCV000246577.2), dbSNP rs879254316, ClinGen allele CA10584270.
Genomic context (GRCh38, chr5:149,041,411, plus strand): 5'-ACTCTGTTCTGTGCAAACCTCAGTCTGCTCTGGGACTTGCTCCCAGGAGGCAGATGGCTA[C>T]TCACTGGTGGAAAGGGAGAGGCAGAGGCTCCAAGGCTGACACCAGTACCAGGCCCCGCTG-3'